The following is an entry in ClinVar:

ClinVar aggregate classification (germline): Conflicting classifications of pathogenicity. Review status: criteria provided, conflicting classifications (1 of 4 stars). 4 submissions from 4 submitters: Uncertain significance (1); Likely benign (2). 1 of the submissions does not count toward it. Last evaluated 2025-02-06.

Conditions:
LHFPL5-related disorder. Also called: LHFPL5-related condition.
Autosomal recessive nonsyndromic hearing loss 67. Identifiers: Orphanet 90636, MedGen C1853223, MONDO:0012460, OMIM 610265.

Allele frequency attached by ClinVar (database versions not stated): gnomAD exomes 0.00007 and 0.00036; TOPMed 0.00013; gnomAD 0.00016 and 0.00018; ExAC 0.00035; 1000 Genomes Project 30x 0.00094; 1000 Genomes Project 0.00100.
gnomAD v4.1: 132 of 1,614,224 alleles (0.0082%); highest among the groups gnomAD compares: East Asian, 0.26%; no homozygotes.

Submissions (4):

Labcorp Genetics (formerly Invitae), Labcorp
Classification: Likely benign. Last evaluated: 2025-02-06. Review status: criteria provided, single submitter. Criteria: Invitae Variant Classification Sherloc (09022015). Collection method: clinical testing. Allele origin: germline.

GeneDx
Classification: Likely benign. Last evaluated: 2021-01-29. Review status: criteria provided, single submitter. Criteria: GeneDx Variant Classification Process June 2021. Collection method: clinical testing. Allele origin: germline. Affected: yes.

Illumina Laboratory Services, Illumina
Classification: Uncertain significance for Autosomal recessive nonsyndromic hearing loss 67. Last evaluated: 2018-01-13. Review status: criteria provided, single submitter. Criteria: ICSL Variant Classification Criteria 13 December 2019. Collection method: clinical testing. Allele origin: germline.

PreventionGenetics, part of Exact Sciences
Classification: Likely benign for LHFPL5-related condition. Last evaluated: 2024-07-06. Review status: no assertion criteria provided. Collection method: clinical testing. Allele origin: germline. Not counted in ClinVar's aggregate classification.
Comment: This variant is classified as likely benign based on ACMG/AMP sequence variant interpretation guidelines (Richards et al. 2015 PMID: 25741868, with internal and published modifications).

NM_182548.4(LHFPL5):c.335T>C (p.Ile112Thr)

Gene: LHFPL5 (LHFPL tetraspan subfamily member 5; plus strand). Cytogenetic location: 6p21.31.
Variant type: single nucleotide variant.
Coding change: c.335T>C on transcript NM_182548.4 (MANE Select); coding-DNA position 335, T replaced by C.
Protein change: p.Ile112Thr; replaces isoleucine 112 with threonine.
Molecular consequence: missense variant.
Genome position (GRCh38, 1-based): chr6:35,806,005, T>C. VCF-style: chr6-35806005-T-C. GRCh37 (hg19) VCF-style: chr6-35773782-T-C.
Other names: short protein forms I112T.
Identifiers: ClinVar variation 727798 (VCV000727798.13), dbSNP rs202178128, ClinGen allele CA3774380.